The following is an entry in ClinVar:

NM_007144.3(PCGF2):c.426-2A>G

Gene: PCGF2 (polycomb group ring finger 2; minus strand). Cytogenetic location: 17q12.
Variant type: single nucleotide variant.
Coding change: c.426-2A>G on transcript NM_007144.3 (MANE Select); the canonical splice acceptor site of the intron before coding-DNA position 426, A replaced by G.
Molecular consequence: splice acceptor variant.
Genome position (GRCh38, 1-based): chr17:38,738,597, T>C on the plus strand (A>G on the coding strand, the complement: PCGF2 is on the minus strand). VCF-style: chr17-38738597-T-C. GRCh37 (hg19) VCF-style: chr17-36894850-T-C.
Other names: c.426-2A>G (NM_001369614.1, NM_001369615.1).
Identifiers: ClinVar variation 4085855 (VCV004085855.8).

ClinVar aggregate classification (germline): Uncertain significance (1 of 4 stars; one submission).

Submission:

CeGaT Center for Human Genetics Tuebingen
Classification: Uncertain significance. Last evaluated: 2025-08-01. Review status: criteria provided, single submitter. Criteria: CeGaT Center For Human Genetics Tuebingen Variant Classification Criteria Version 2. Collection method: clinical testing. Allele origin: germline. Affected: yes. Observed: 1 variant allele.
Comment: PCGF2: PM2